The following is an entry in ClinVar:

NM_138927.4(SON):c.2896T>C (p.Ser966Pro)

Gene: SON (SON DNA and RNA binding protein; plus strand). Cytogenetic location: 21q22.11.
Variant type: single nucleotide variant.
Coding change: c.2896T>C on transcript NM_138927.4 (MANE Select); coding-DNA position 2896, T replaced by C.
Protein change: p.Ser966Pro; replaces serine 966 with proline.
Molecular consequence: missense variant. On other transcripts: non-coding transcript variant (1), intron variant (1).
Genome position (GRCh38, 1-based): chr21:33,552,127, T>C. VCF-style: chr21-33552127-T-C. GRCh37 (hg19) VCF-style: chr21-34924433-T-C.
Other names: c.2896T>C, p.Ser966Pro (NM_001291411.2, NM_032195.3); c.245-5029T>C (NM_001291412.3); short protein forms S966P.
Identifiers: ClinVar variation 3724644 (VCV003724644.2).

ClinVar aggregate classification (germline): Uncertain significance (1 of 4 stars; one submission).

Submission:

Labcorp Genetics (formerly Invitae), Labcorp
Classification: Uncertain significance. Last evaluated: 2024-11-05. Review status: criteria provided, single submitter. Criteria: Invitae Variant Classification Sherloc (09022015). Collection method: clinical testing. Allele origin: germline.
Comment: This sequence change replaces serine, which is neutral and polar, with proline, which is neutral and non-polar, at codon 966 of the SON protein (p.Ser966Pro). This variant is not present in population databases (gnomAD no frequency). This variant has not been reported in the literature in individuals affected with SON-related conditions. An algorithm developed to predict the effect of missense changes on protein structure and function (PolyPhen-2) suggests that this variant is likely to be disruptive. In summary, the available evidence is currently insufficient to determine the role of this variant in disease. Therefore, it has been classified as a Variant of Uncertain Significance.